The following is an entry in ClinVar:

ClinVar aggregate classification (germline): Uncertain significance (1 of 4 stars; one submission).

gnomAD v4.1: 11 of 1,613,720 alleles (0.00068%); highest among the groups gnomAD compares: East Asian, 0.0022%; no homozygotes.

Submission:

Labcorp Genetics (formerly Invitae), Labcorp
Classification: Uncertain significance. Last evaluated: 2025-10-16. Review status: criteria provided, single submitter. Criteria: Invitae Variant Classification Sherloc (09022015). Collection method: clinical testing. Allele origin: germline.
Comment: This sequence change replaces proline, which is neutral and non-polar, with alanine, which is neutral and non-polar, at codon 648 of the COL4A1 protein (p.Pro648Ala). This variant is present in population databases (no rsID available, gnomAD no frequency). This variant has not been reported in the literature in individuals affected with COL4A1-related conditions. ClinVar contains an entry for this variant (Variation ID: 2982596). Invitae Evidence Modeling of protein sequence and biophysical properties (such as structural, functional, and spatial information, amino acid conservation, physicochemical variation, residue mobility, and thermodynamic stability) indicates that this missense variant is not expected to disrupt COL4A1 protein function with a negative predictive value of 95%. In summary, the available evidence is currently insufficient to determine the role of this variant in disease. Therefore, it has been classified as a Variant of Uncertain Significance.

NM_001845.6(COL4A1):c.1942C>G (p.Pro648Ala)

Gene: COL4A1 (collagen type IV alpha 1 chain; minus strand). Cytogenetic location: 13q34.
Variant type: single nucleotide variant.
Coding change: c.1942C>G on transcript NM_001845.6 (MANE Select); coding-DNA position 1942, C replaced by G.
Protein change: p.Pro648Ala; replaces proline 648 with alanine.
Molecular consequence: missense variant.
Genome position (GRCh38, 1-based): chr13:110,183,232, G>C on the plus strand (C>G on the coding strand, the complement: COL4A1 is on the minus strand). VCF-style: chr13-110183232-G-C. GRCh37 (hg19) VCF-style: chr13-110835579-G-C.
Other names: short protein forms P648A.
Identifiers: ClinVar variation 2982596 (VCV002982596.3), dbSNP rs1413099763, ClinGen allele CA388722410.